The following is an entry in ClinVar:

ClinVar aggregate classification (germline): Uncertain significance. Review status: criteria provided, multiple submitters, no conflicts (2 of 4 stars). 3 submissions from 3 submitters: Uncertain significance (3). Last evaluated 2025-10-07.

Allele frequency attached by ClinVar (database versions not stated): gnomAD exomes 0.00009; ExAC 0.00023; 1000 Genomes Project 0.00040; 1000 Genomes Project 30x 0.00047; ESP Exome Variant Server 0.00056; TOPMed 0.00076; gnomAD 0.00078.
gnomAD v4.1: 247 of 1,606,290 alleles (0.015%); highest among the groups gnomAD compares: African/African-American, 0.22%; 2 homozygotes.

Submissions (3):

Women's Health and Genetics/Laboratory Corporation of America, LabCorp
Classification: Uncertain significance. Last evaluated: 2025-10-07. Review status: criteria provided, single submitter. Criteria: LabCorp Variant Classification Summary - May 2015. Collection method: clinical testing. Allele origin: germline.
Comment: Variant summary: KIF26A c.1546G>A (p.Val516Ile) results in a conservative amino acid change in the encoded protein sequence. Algorithms developed to predict the effect of missense changes on protein structure and function are either unavailable or do not agree on the potential impact of this missense change. The variant allele was found at a frequency of 0.00023 in 229170 control chromosomes in the gnomAD database, including 1 homozygotes. This frequency is not significantly higher than estimated for disease-causing variants in KIF26A, allowing no conclusion about variant significance. To our knowledge, no occurrence of c.1546G>A in individuals affected with KIF26A-related conditions and no experimental evidence demonstrating its impact on protein function have been reported. ClinVar contains an entry for this variant (Variation ID: 2302258). Based on the evidence outlined above, the variant was classified as uncertain significance.

GeneDx
Classification: Uncertain significance. Last evaluated: 2024-08-10. Review status: criteria provided, single submitter. Criteria: GeneDx Variant Classification Process June 2021. Collection method: clinical testing. Allele origin: germline. Affected: yes.
Comment: In silico analysis indicates that this missense variant does not alter protein structure/function; Has not been previously published as pathogenic or benign to our knowledge

Ambry Genetics
Classification: Uncertain significance. Last evaluated: 2021-09-16. Review status: criteria provided, single submitter. Criteria: Ambry Variant Classification Scheme 2023. Collection method: clinical testing. Allele origin: germline.

NM_015656.2(KIF26A):c.1546G>A (p.Val516Ile)

Gene: KIF26A (kinesin family member 26A; plus strand). Cytogenetic location: 14q32.33.
Variant type: single nucleotide variant.
Coding change: c.1546G>A on transcript NM_015656.2 (MANE Select); coding-DNA position 1546, G replaced by A.
Protein change: p.Val516Ile; replaces valine 516 with isoleucine.
Molecular consequence: missense variant.
Genome position (GRCh38, 1-based): chr14:104,173,102, G>A. VCF-style: chr14-104173102-G-A. GRCh37 (hg19) VCF-style: chr14-104639439-G-A.
Other names: short protein forms V516I.
Identifiers: ClinVar variation 2302258 (VCV002302258.4), dbSNP rs61743543, ClinGen allele CA7370434.